The following is an entry in ClinVar:

ClinVar aggregate classification (germline): Conflicting classifications of pathogenicity. Review status: criteria provided, conflicting classifications (1 of 4 stars). 9 submissions from 9 submitters: Uncertain significance (1); Benign (3); Likely benign (5). Last evaluated 2026-01-06.

Conditions:
Cerebral arteriopathy, autosomal dominant, with subcortical infarcts and leukoencephalopathy, type 1 (CADASIL1). Also called: DEMENTIA, HEREDITARY MULTIINFARCT TYPE; CADASIL 1; CASIL; Cerebral arteriopathy with subcortical infarcts and leukoencephalopathy 1. Identifiers: Orphanet 136, MedGen C4551768, MONDO:0000914, OMIM 125310.

Allele frequency attached by ClinVar (database versions not stated): gnomAD exomes 0.00219; gnomAD 0.00746 and 0.00784; 1000 Genomes Project 0.00779; TOPMed 0.00839; 1000 Genomes Project 30x 0.00874.
gnomAD v4.1: 3,606 of 1,240,736 alleles (0.29%); highest among the groups gnomAD compares: African/African-American, 2%; 17 homozygotes.

Submissions (9):

Labcorp Genetics (formerly Invitae), Labcorp
Classification: Likely benign. Last evaluated: 2026-01-06. Review status: criteria provided, single submitter. Criteria: Invitae Variant Classification Sherloc (09022015). Collection method: clinical testing. Allele origin: germline.

Athena Diagnostics
Classification: Benign. Last evaluated: 2025-09-16. Review status: criteria provided, single submitter. Criteria: Athena Diagnostics Criteria. Collection method: clinical testing. Allele origin: unknown.
Comment: The frequency of this variant in the general population is higher than would generally be expected for pathogenic variants in this gene. Computational tools yielded predictions that this variant is unlikely to have an effect on normal RNA splicing. This nucleotide position exhibits low evolutionary conservation. This variant has been seen where an alternate explanation for disease was also identified.

ARUP Laboratories, Molecular Genetics and Genomics, ARUP Laboratories
Classification: Benign. Last evaluated: 2025-07-25. Review status: criteria provided, single submitter. Criteria: ARUP Molecular Germline Variant Investigation Process 2024. Collection method: clinical testing. Allele origin: germline.

Blueprint Genetics
Classification: Likely benign. Last evaluated: 2024-11-27. Review status: criteria provided, single submitter. Criteria: ACMG Guidelines, 2015. Collection method: clinical testing. Allele origin: germline.

Mayo Clinic Laboratories, Mayo Clinic
Classification: Benign. Last evaluated: 2024-02-16. Review status: criteria provided, single submitter. Criteria: ACMG Guidelines, 2015. Collection method: clinical testing. Allele origin: germline. Observed: 28 variant alleles.
Comment: BS1, BP4, BP7

GeneDx
Classification: Likely benign. Last evaluated: 2021-05-06. Review status: criteria provided, single submitter. Criteria: GeneDx Variant Classification Process June 2021. Collection method: clinical testing. Allele origin: germline. Affected: yes.

Illumina Laboratory Services, Illumina
Classification: Likely benign for Cerebral arteriopathy, autosomal dominant, with subcortical infarcts and leukoencephalopathy, type 1. Last evaluated: 2017-04-27. Review status: criteria provided, single submitter. Criteria: ICSL Variant Classification Criteria 13 December 2019. Collection method: clinical testing. Allele origin: germline.
Comment: This variant was observed as part of a predisposition screen in an ostensibly healthy population. A literature search was performed for the gene, cDNA change, and amino acid change (where applicable). No publications were found based on this search. Allele frequency data from public databases allowed determination this variant is unlikely to cause disease. Therefore, this variant is classified as likely benign.

CeGaT Center for Human Genetics Tuebingen
Classification: Uncertain significance. Last evaluated: 2016-11-01. Review status: criteria provided, single submitter. Criteria: CeGaT Center For Human Genetics Tuebingen Variant Classification Criteria Version 2. Collection method: clinical testing. Allele origin: germline. Affected: yes. Observed: 2 variant alleles.

PreventionGenetics, part of Exact Sciences
Classification: Likely benign. Review status: criteria provided, single submitter. Criteria: ACMG Guidelines, 2015. Collection method: clinical testing. Allele origin: germline.

NM_000435.3(NOTCH3):c.4044C>T (p.Gly1348=)

Gene: NOTCH3 (notch receptor 3; minus strand). Cytogenetic location: 19p13.12.
Variant type: single nucleotide variant.
Coding change: c.4044C>T on transcript NM_000435.3 (MANE Select); coding-DNA position 4044, C replaced by T.
Protein change: p.Gly1348=; no amino-acid change (glycine 1348 retained).
Molecular consequence: synonymous variant.
Genome position (GRCh38, 1-based): chr19:15,177,884, G>A on the plus strand (C>T on the coding strand, the complement: NOTCH3 is on the minus strand). VCF-style: chr19-15177884-G-A. GRCh37 (hg19) VCF-style: chr19-15288695-G-A.
Other names: p.Gly1348=.
Identifiers: ClinVar variation 256135 (VCV000256135.69), dbSNP rs78926093, ClinGen allele CA10587296.